The following is an entry in ClinVar:

ClinVar aggregate classification (germline): Uncertain significance (1 of 4 stars; one submission).

Conditions:
Familial sleep-related hypermotor epilepsy. Also called: Autosomal Dominant Sleep-Related Hypermotor (Hyperkinetic) Epilepsy. Identifiers: Orphanet 98784, MedGen C3696898, MONDO:0000030.

Submission:

Labcorp Genetics (formerly Invitae), Labcorp
Classification: Uncertain significance. Last evaluated: 2025-10-24. Review status: criteria provided, single submitter. Criteria: Invitae Variant Classification Sherloc (09022015). Collection method: clinical testing. Allele origin: germline.
Comment: This sequence change replaces alanine, which is neutral and non-polar, with threonine, which is neutral and polar, at codon 477 of the CHRNA4 protein (p.Ala477Thr). This variant is not present in population databases (gnomAD no frequency). This variant has not been reported in the literature in individuals affected with CHRNA4-related conditions. Invitae Evidence Modeling of protein sequence and biophysical properties (such as structural, functional, and spatial information, amino acid conservation, physicochemical variation, residue mobility, and thermodynamic stability) indicates that this missense variant is not expected to disrupt CHRNA4 protein function with a negative predictive value of 80%. In summary, the available evidence is currently insufficient to determine the role of this variant in disease. Therefore, it has been classified as a Variant of Uncertain Significance.

NM_000744.7(CHRNA4):c.1429G>A (p.Ala477Thr)

Gene: CHRNA4 (cholinergic receptor nicotinic alpha 4 subunit; minus strand). Cytogenetic location: 20q13.33.
Variant type: single nucleotide variant.
Coding change: c.1429G>A on transcript NM_000744.7 (MANE Select); coding-DNA position 1429, G replaced by A.
Protein change: p.Ala477Thr; replaces alanine 477 with threonine.
Molecular consequence: missense variant. On other transcripts: non-coding transcript variant (1).
Genome position (GRCh38, 1-based): chr20:63,349,982, C>T on the plus strand (G>A on the coding strand, the complement: CHRNA4 is on the minus strand). VCF-style: chr20-63349982-C-T. GRCh37 (hg19) VCF-style: chr20-61981334-C-T.
Other names: c.901G>A, p.Ala301Thr (NM_001256573.2); short protein forms A301T, A477T.
Identifiers: ClinVar variation 4768687 (VCV004768687.1).